The following is an entry in ClinVar:

ClinVar aggregate classification (germline): Uncertain significance (1 of 4 stars; one submission).

gnomAD v4.1: 3 of 1,209,198 alleles (0.00025%); highest among the groups gnomAD compares: Non-Finnish European, 0.00034%; no homozygotes.

Submission:

GeneDx
Classification: Uncertain significance. Last evaluated: 2024-01-16. Review status: criteria provided, single submitter. Criteria: GeneDx Variant Classification Process June 2021. Collection method: clinical testing. Allele origin: germline. Affected: yes.
Comment: Not observed at significant frequency in large population cohorts (gnomAD); In silico analysis supports that this missense variant has a deleterious effect on protein structure/function; Has not been previously published as pathogenic or benign to our knowledge

NM_002024.6(FMR1):c.1450C>T (p.Arg484Cys)

Gene: FMR1 (fragile X messenger ribonucleoprotein 1; plus strand). Cytogenetic location: Xq27.3.
Variant type: single nucleotide variant.
Coding change: c.1450C>T on transcript NM_002024.6 (MANE Select); coding-DNA position 1450, C replaced by T.
Protein change: p.Arg484Cys; replaces arginine 484 with cysteine.
Molecular consequence: missense variant. On other transcripts: intron variant (2).
Genome position (GRCh38, 1-based): chrX:147,943,305, C>T. VCF-style: chrX-147943305-C-T. GRCh37 (hg19) VCF-style: chrX-147024825-C-T.
Other names: c.1387C>T, p.Arg463Cys (NM_001185076.2, NM_001185082.2); c.1276-1639C>T (NM_001185075.2); c.1213-1639C>T (NM_001185081.2); short protein forms R463C, R484C.
Identifiers: ClinVar variation 3368021 (VCV003368021.1).